The following is an entry in ClinVar:

ClinVar aggregate classification (germline): Uncertain significance (1 of 4 stars; one submission).

Allele frequency attached by ClinVar (database versions not stated): gnomAD 0.00001; TOPMed 0.00001; ExAC 0.00002.

Submission:

Labcorp Genetics (formerly Invitae), Labcorp
Classification: Uncertain significance. Last evaluated: 2023-06-29. Review status: criteria provided, single submitter. Criteria: Invitae Variant Classification Sherloc (09022015). Collection method: clinical testing. Allele origin: germline.
Comment: This variant has not been reported in the literature in individuals affected with PTPN23-related conditions. In summary, the available evidence is currently insufficient to determine the role of this variant in disease. Therefore, it has been classified as a Variant of Uncertain Significance. Experimental studies and prediction algorithms are not available or were not evaluated, and the functional significance of this variant is currently unknown. ClinVar contains an entry for this variant (Variation ID: 1352308). This variant is present in population databases (rs748417542, gnomAD 0.01%). This sequence change replaces proline, which is neutral and non-polar, with alanine, which is neutral and non-polar, at codon 1547 of the PTPN23 protein (p.Pro1547Ala).

NM_015466.4(PTPN23):c.4639C>G (p.Pro1547Ala)

Gene: PTPN23 (protein tyrosine phosphatase non-receptor type 23; plus strand). Cytogenetic location: 3p21.31.
Variant type: single nucleotide variant.
Coding change: c.4639C>G on transcript NM_015466.4 (MANE Select); coding-DNA position 4639, C replaced by G.
Protein change: p.Pro1547Ala; replaces proline 1547 with alanine.
Molecular consequence: missense variant.
Genome position (GRCh38, 1-based): chr3:47,412,913, C>G. VCF-style: chr3-47412913-C-G. GRCh37 (hg19) VCF-style: chr3-47454403-C-G.
Other names: c.4261C>G, p.Pro1421Ala (NM_001304482.2); short protein forms P1421A, P1547A.
Identifiers: ClinVar variation 1352308 (VCV001352308.8), dbSNP rs748417542, ClinGen allele CA2366667.